The following is an entry in ClinVar:

NM_003502.4(AXIN1):c.1578G>A (p.Ala526=)

Gene: AXIN1 (axin 1; minus strand). Cytogenetic location: 16p13.3.
Variant type: single nucleotide variant.
Coding change: c.1578G>A on transcript NM_003502.4 (MANE Select); coding-DNA position 1578, G replaced by A.
Protein change: p.Ala526=; no amino-acid change (alanine 526 retained).
Molecular consequence: synonymous variant. On other transcripts: non-coding transcript variant (1).
Genome position (GRCh38, 1-based): chr16:297,928, C>T on the plus strand (G>A on the coding strand, the complement: AXIN1 is on the minus strand). VCF-style: chr16-297928-C-T. GRCh37 (hg19) VCF-style: chr16-347928-C-T.
Other names: c.1578G>A, p.Ala526= (NM_181050.3).
Identifiers: ClinVar variation 768731 (VCV000768731.6), dbSNP rs139163339, ClinGen allele CA7774150.
Genomic context (GRCh38, chr16:297,928, plus strand): 5'-GGGCCGGGCTGTGCTGTGGTGGACGTGGTGGTGGACGTGTCGGTGGTGGTGCAGGCCGGC[C>T]GCGTCCAGCTTCGCCCCTGACTTGGGTACGTGCTTCCCGTGCCCCGAGGCGGCACCCCCC-3'
Protein context (NP_003493.1, residues 516-536): HVPKSGAKLD[Ala526=]AGLHHHRHVH

ClinVar aggregate classification (germline): Benign. Review status: criteria provided, single submitter (1 of 4 stars). 2 submissions from 2 submitters: Benign (1). 1 of the submissions does not count toward it. Last evaluated 2019-12-31.

Conditions:
AXIN1-related disorder. Also called: AXIN1-related condition.

Allele frequency attached by ClinVar (database versions not stated): gnomAD exomes 0.00127; ExAC 0.00157; gnomAD 0.00439 and 0.00471; TOPMed 0.00491; ESP Exome Variant Server 0.00500; 1000 Genomes Project 0.00519; 1000 Genomes Project 30x 0.00547.
gnomAD v4.1: 1,320 of 1,599,612 alleles (0.083%); highest among the groups gnomAD compares: African/African-American, 1.5%; 13 homozygotes.

Submissions (2):

Labcorp Genetics (formerly Invitae), Labcorp
Classification: Benign. Last evaluated: 2019-12-31. Review status: criteria provided, single submitter. Criteria: Invitae Variant Classification Sherloc (09022015). Collection method: clinical testing. Allele origin: germline.

PreventionGenetics, part of Exact Sciences
Classification: Benign for AXIN1-related condition. Last evaluated: 2019-02-20. Review status: no assertion criteria provided. Collection method: clinical testing. Allele origin: germline. Not counted in ClinVar's aggregate classification.
Comment: This variant is classified as benign based on ACMG/AMP sequence variant interpretation guidelines (Richards et al. 2015 PMID: 25741868, with internal and published modifications).